The following is an entry in ClinVar:

NM_014586.2(HUNK):c.1539G>C (p.Val513=)

Gene: HUNK (hormonally up-regulated Neu-associated kinase; plus strand). Cytogenetic location: 21q22.11.
Variant type: single nucleotide variant.
Coding change: c.1539G>C on transcript NM_014586.2 (MANE Select); coding-DNA position 1539, G replaced by C.
Protein change: p.Val513=; no amino-acid change (valine 513 retained).
Molecular consequence: synonymous variant.
Genome position (GRCh38, 1-based): chr21:31,998,578, G>C. VCF-style: chr21-31998578-G-C. GRCh37 (hg19) VCF-style: chr21-33370891-G-C.
Identifiers: ClinVar variation 2652591 (VCV002652591.24), dbSNP rs148050790, ClinGen allele CA10000467.

ClinVar aggregate classification (germline): Likely benign (1 of 4 stars; one submission).

Allele frequency attached by ClinVar (database versions not stated): ESP Exome Variant Server 0.00038; gnomAD 0.00043; gnomAD exomes 0.00048; ExAC 0.00057; TOPMed 0.00074; 1000 Genomes Project 30x 0.00078; 1000 Genomes Project 0.00080.
gnomAD v4.1: 762 of 1,610,022 alleles (0.047%); highest among the groups gnomAD compares: Middle Eastern, 0.18%; no homozygotes.

Submission:

CeGaT Center for Human Genetics Tuebingen
Classification: Likely benign. Last evaluated: 2022-08-01. Review status: criteria provided, single submitter. Criteria: CeGaT Center For Human Genetics Tuebingen Variant Classification Criteria Version 2. Collection method: clinical testing. Allele origin: germline. Affected: yes. Observed: 1 variant allele.
Comment: HUNK: BP4, BP7